The following is an entry in ClinVar:

NM_172107.4(KCNQ2):c.1081C>T (p.Gln361Ter)

Gene: KCNQ2 (potassium voltage-gated channel subfamily Q member 2; minus strand). Cytogenetic location: 20q13.33.
Variant type: single nucleotide variant.
Coding change: c.1081C>T on transcript NM_172107.4 (MANE Select); coding-DNA position 1081, C replaced by T.
Protein change: p.Gln361Ter; replaces glutamine 361 with a stop codon.
Molecular consequence: nonsense.
Genome position (GRCh38, 1-based): chr20:63,433,846, G>A on the plus strand (C>T on the coding strand, the complement: KCNQ2 is on the minus strand). VCF-style: chr20-63433846-G-A. GRCh37 (hg19) VCF-style: chr20-62065199-G-A.
Other names: c.1081C>T, p.Gln361Ter (NM_001382235.1, NM_004518.6, NM_172106.3 and 2 more transcripts); short protein forms Q361*.
Identifiers: ClinVar variation 3775845 (VCV003775845.3).

ClinVar aggregate classification (germline): Pathogenic/Likely pathogenic. Review status: criteria provided, multiple submitters, no conflicts (2 of 4 stars). 2 submissions from 2 submitters: Pathogenic (1); Likely pathogenic (1). Last evaluated 2025-05-05.

Conditions:
Seizures, benign familial neonatal, 1. Also called: KCNQ2-Related Self-Limited Familial Neonatal Epilepsy (SLFNE); KCNQ2-Related Benign Familial Neonatal Epilepsy; Seizures, benign neonatal, 1; Benign Neonatal Epilepsy 1. Identifiers: Orphanet 1949, MedGen C3149074, MONDO:0007365, OMIM 121200.
Developmental and epileptic encephalopathy, 7 (DEE7). Also called: KCNQ2-Related Neonatal-Onset Developmental and Epileptic Encephalopathy (NEO-DEE); KCNQ2-Related Neonatal Epileptic Encephalopathy; Early infantile epileptic encephalopathy 7. Identifiers: Orphanet 439218, MedGen C3150986, MONDO:0013387, OMIM 613720.

Submissions (2):

Institute of Human Genetics, University of Leipzig Medical Center
Classification: Pathogenic for Seizures, benign familial neonatal, 1. Last evaluated: 2025-05-05. Review status: criteria provided, single submitter. Criteria: ACMG Guidelines, 2015. Collection method: clinical testing. Allele origin: maternal. Inheritance: Autosomal dominant inheritance. Affected: yes.
Comment: Criteria applied: PVS1,PM2

3billion
Classification: Likely pathogenic for Developmental and epileptic encephalopathy, 7. Last evaluated: 2024-01-25. Review status: criteria provided, single submitter. Criteria: ACMG Guidelines, 2015. Collection method: clinical testing. Allele origin: germline. Affected: yes.
Comment: The variant is not observed in the gnomAD v2.1.1 dataset. Predicted Consequence/Location: Stop-gained (nonsense): predicted to result in a loss or disruption of normal protein function through nonsense-mediated decay (NMD) or protein truncation. Multiple pathogenic variants are reported downstream of the variant. Therefore, this variant is classified as Likely pathogenic according to the recommendation of ACMG/AMP guideline.